The following is an entry in ClinVar:

ClinVar aggregate classification (germline): Conflicting classifications of pathogenicity. Review status: criteria provided, conflicting classifications (1 of 4 stars). 2 submissions from 2 submitters: Uncertain significance (1); Likely benign (1). Last evaluated 2026-07-06.

Conditions:
Familial cancer of breast. Also called: Hereditary breast cancer; BREAST CANCER, FAMILIAL; hereditary breast carcinoma. Identifiers: Orphanet 227535, MedGen C0346153, MONDO:0016419, OMIM 114480. Disease mechanism: loss of function.
Hereditary cancer-predisposing syndrome. Also called: Tumor predisposition; Hereditary neoplastic syndrome; Hereditary Cancer Syndrome; Neoplastic Syndromes, Hereditary. Identifiers: Orphanet 140162, MedGen C0027672, MeSH D009386, MONDO:0015356.

Submissions (2):

Ambry Genetics
Classification: Likely benign for Hereditary cancer-predisposing syndrome. Last evaluated: 2026-07-06. Review status: criteria provided, single submitter. Criteria: Ambry Variant Classification Scheme 2023. Collection method: clinical testing. Allele origin: germline.

Labcorp Genetics (formerly Invitae), Labcorp
Classification: Uncertain significance for Familial cancer of breast. Last evaluated: 2024-05-21. Review status: criteria provided, single submitter. Criteria: Invitae Variant Classification Sherloc (09022015). Collection method: clinical testing. Allele origin: germline.
Comment: This sequence change replaces threonine, which is neutral and polar, with serine, which is neutral and polar, at codon 773 of the PALB2 protein (p.Thr773Ser). This variant is not present in population databases (gnomAD no frequency). This variant has not been reported in the literature in individuals affected with PALB2-related conditions. Advanced modeling of protein sequence and biophysical properties (such as structural, functional, and spatial information, amino acid conservation, physicochemical variation, residue mobility, and thermodynamic stability) performed at Invitae indicates that this missense variant is not expected to disrupt PALB2 protein function with a negative predictive value of 80%. In summary, the available evidence is currently insufficient to determine the role of this variant in disease. Therefore, it has been classified as a Variant of Uncertain Significance.

NM_024675.4(PALB2):c.2318C>G (p.Thr773Ser)

Gene: PALB2 (partner and localizer of BRCA2; minus strand). Cytogenetic location: 16p12.2.
Variant type: single nucleotide variant.
Coding change: c.2318C>G on transcript NM_024675.4 (MANE Select); coding-DNA position 2318, C replaced by G.
Protein change: p.Thr773Ser; replaces threonine 773 with serine.
Molecular consequence: missense variant. On other transcripts: intron variant (1).
Genome position (GRCh38, 1-based): chr16:23,629,836, G>C on the plus strand (C>G on the coding strand, the complement: PALB2 is on the minus strand). VCF-style: chr16-23629836-G-C. GRCh37 (hg19) VCF-style: chr16-23641157-G-C.
Other names: c.2318C>G, p.Thr773Ser (NM_001407299.1, NM_001407300.1, NM_001407301.1 and 3 more transcripts); c.1433C>G, p.Thr478Ser (NM_001407304.1, NM_001407305.1, NM_001407306.1 and 5 more transcripts); c.2258C>G, p.Thr753Ser (NM_001407296.1); c.530C>G, p.Thr177Ser (NM_001407312.1, NM_001407313.1); c.49-561C>G (NM_001407314.1); short protein forms T478S, T753S, T773S, T177S.
Identifiers: ClinVar variation 3654141 (VCV003654141.3).
Genomic context (GRCh38, chr16:23,629,836, plus strand): 5'-CCTGACACTTGCAGGGTGGTATGTGGTTTTGCTGGGCTGCCTGAACTGTCGAATTGTTTA[G>C]TATCACTGGCAAGACAGACTGAGTCTTTCAAATGAGCAAGTTGGGGTGTGCAGCAAGTTC-3'
Protein context (NP_078951.2, residues 763-783): LKDSVCLASD[Thr773Ser]KQFDSSGSPA